The following is an entry in ClinVar:

ClinVar aggregate classification (germline): Pathogenic (0 of 4 stars; one submission).

Conditions:
Severe intellectual disability-progressive spastic diplegia syndrome (NEDSDV). Also called: CTNNB1 Neurodevelopmental Disorder; NEURODEVELOPMENTAL DISORDER WITH SPASTIC DIPLEGIA AND VISUAL DEFECTS. Identifiers: Orphanet 404473, MedGen C3554449, MONDO:0014035, OMIM 615075.

Submission:

Clinical Genomics Laboratory, Stanford Medicine
Classification: Pathogenic for Severe intellectual disability-progressive spastic diplegia syndrome. Last evaluated: 2021-06-18. Review status: no assertion criteria provided. Collection method: clinical testing. Allele origin: germline. Inheritance: Autosomal dominant inheritance. Affected: yes. Observed: 1 heterozygote.
Comment: Notably, a different nucleotide change, c.1683+1G>A, disrupting the same canonical splice site has been previously reported in an affected individual (Kuechler et al., 2015). This variant was absent from large population databases, including the Genome Aggregation Database. The c.1683+1delG variant alters the canonical donor splice site in intron 10, which is predicted to result in abnormal gene splicing. Heterozygous loss of function is an established mechanism of disease for the CTNNB1 gene. These data were assessed using the ACMG/AMP variant interpretation guidelines. In summary, there is sufficient evidence to classify the c.1683+1delG variant as pathogenic for autosomal dominant CTNNB1-related neurodevelopmental disorder based on the information above.

NM_001904.4(CTNNB1):c.1683+1del

Genes: CTNNB1 (catenin beta 1; plus strand), LOC126806659 (BRD4-independent group 4 enhancer GRCh37_chr3:41274918-41276117; plus strand). Cytogenetic location: 3p22.1.
Variant type: Deletion.
Coding change: c.1683+1del on transcript NM_001904.4 (MANE Select); the canonical splice donor site of the intron after coding-DNA position 1683, one base deleted (G; older notation c.1683+1delG).
Molecular consequence: splice donor variant.
Genome position (GRCh38, 1-based): chr3:41,234,298, G deleted; the last of 2 consecutive G bases (chr3:41,234,297-41,234,298); deleting either gives the same sequence. VCF-style (leftmost placement, unchanged base first): chr3-41234296-TG-T. GRCh37 (hg19) VCF-style: chr3-41275787-TG-T.
Other names: c.1662+1del (NM_001330729.2); c.1683+1del (NM_001098209.2, NM_001098210.2); c.1683+1delG (NM_001904.4).
Identifiers: ClinVar variation 2683847 (VCV002683847.1), dbSNP rs2470835326, ClinGen allele CA2697550829.
Genomic context (GRCh38, chr3:41,234,296, plus strand): 5'-TTCGTGCACATCAGGATACCCAGCGCCGTACGTCCATGGGTGGGACACAGCAGCAATTTG[TG>T]GTAGGTAAATTCTTACAGTGATACCTGGCTATCTAAAAGGAATGCATAAATCCAAAGGAT-3'